The following is an entry in ClinVar:

ClinVar aggregate classification (germline): Uncertain significance. Review status: criteria provided, multiple submitters, no conflicts (2 of 4 stars). 2 submissions from 2 submitters: Uncertain significance (2). Last evaluated 2024-07-19.

Conditions:
Autosomal recessive Alport syndrome (ATS2). Also called: Alport syndrome type 2; COL4A3-Related Nephropathy; COL4A4 Alport Syndrome and Thin Basement Membrane Nephropathy; ALPORT SYNDROME 2, AUTOSOMAL RECESSIVE. Identifiers: Orphanet 63, Orphanet 88919, MedGen C4746745, MONDO:0008762, OMIM 203780.
Hematuria, benign familial, 1 (BFH1). Also called: THIN MEMBRANE NEPHROPATHY. Identifiers: MedGen CN376803, MONDO:0007709, OMIM 141200.

Submissions (2):

Labcorp Genetics (formerly Invitae), Labcorp
Classification: Uncertain significance. Last evaluated: 2024-07-19. Review status: criteria provided, single submitter. Criteria: Invitae Variant Classification Sherloc (09022015). Collection method: clinical testing. Allele origin: germline.
Comment: This sequence change replaces glycine, which is neutral and non-polar, with aspartic acid, which is acidic and polar, at codon 663 of the COL4A4 protein (p.Gly663Asp). This variant is not present in population databases (gnomAD no frequency). This missense change has been observed in individual(s) with clinical features of Alport syndrome (Invitae). An algorithm developed to predict the effect of missense changes on protein structure and function (PolyPhen-2) suggests that this variant is likely to be disruptive. This variant disrupts the p.Gly663 amino acid residue in COL4A4. Other variant(s) that disrupt this residue have been observed in individuals with COL4A4-related conditions (PMID: 37097554), which suggests that this may be a clinically significant amino acid residue. In summary, the available evidence is currently insufficient to determine the role of this variant in disease. Therefore, it has been classified as a Variant of Uncertain Significance.

Fulgent Genetics
Classification: Uncertain significance for Hematuria, benign familial, 1; Autosomal recessive Alport syndrome. Last evaluated: 2024-03-06. Review status: criteria provided, single submitter. Criteria: ACMG Guidelines, 2015. Collection method: clinical testing. Allele origin: germline.

Literature cited by the submitters: PubMed 37097554 (cited by Labcorp Genetics (formerly Invitae), Labcorp).

NM_000092.5(COL4A4):c.1988G>A (p.Gly663Asp)

Gene: COL4A4 (collagen type IV alpha 4 chain; minus strand). Cytogenetic location: 2q36.3.
Variant type: single nucleotide variant.
Coding change: c.1988G>A on transcript NM_000092.5 (MANE Select); coding-DNA position 1988, G replaced by A.
Protein change: p.Gly663Asp; replaces glycine 663 with aspartic acid.
Molecular consequence: missense variant.
Genome position (GRCh38, 1-based): chr2:227,062,598, C>T on the plus strand (G>A on the coding strand, the complement: COL4A4 is on the minus strand). VCF-style: chr2-227062598-C-T. GRCh37 (hg19) VCF-style: chr2-227927314-C-T.
Other names: short protein forms G663D.
Identifiers: ClinVar variation 3585856 (VCV003585856.3).
Genomic context (GRCh38, chr2:227,062,598, plus strand): 5'-CCATCAAAACCTGGAGGGCCATGCCTCCCAGGGTAGGTTACGTTGCAAGAAATTGTGTCA[C>T]CTGCAATGAGAAAAGAAAAGCGGCATTCACATAACTGATAGCCCAGTGCAATGTGAGTCT-3'
Protein context (NP_000083.3, residues 653-673): RGPDGLKGQK[Gly663Asp]DTISCNVTYP